The following is an entry in ClinVar:

ClinVar aggregate classification (germline): Likely benign (1 of 4 stars; one submission).

gnomAD v4.1: 14 of 1,600,976 alleles (0.00087%); highest among the groups gnomAD compares: Middle Eastern, 0.069%; no homozygotes.

Submission:

CeGaT Center for Human Genetics Tuebingen
Classification: Likely benign. Last evaluated: 2026-07-01. Review status: criteria provided, single submitter. Criteria: CeGaT Center For Human Genetics Tuebingen Variant Classification Criteria Version 2. Collection method: clinical testing. Allele origin: germline. Affected: yes. Observed: 1 variant allele.
Comment: GDPD4: BP4

NM_182833.3(GDPD4):c.1450G>A (p.Val484Ile)

Gene: GDPD4 (glycerophosphodiester phosphodiesterase domain containing 4; minus strand). Cytogenetic location: 11q13.5.
Variant type: single nucleotide variant.
Coding change: c.1450G>A on transcript NM_182833.3 (MANE Select); coding-DNA position 1450, G replaced by A.
Protein change: p.Val484Ile; replaces valine 484 with isoleucine.
Molecular consequence: missense variant.
Genome position (GRCh38, 1-based): chr11:77,229,172, C>T on the plus strand (G>A on the coding strand, the complement: GDPD4 is on the minus strand). VCF-style: chr11-77229172-C-T. GRCh37 (hg19) VCF-style: chr11-76940217-C-T.
Other names: short protein forms V484I.
Identifiers: ClinVar variation 5038748 (VCV005038748.1).
Genomic context (GRCh38, chr11:77,229,172, plus strand): 5'-TTTGGAAAAAATTCATTTAAAATTATATATATACTTACCAGTGAAAACAAAATATGGCAA[C>T]AATAAAAAGCACAGAAATGATATCTGCAAGGAGCCACATGAACACATAGAACTTTGGTGT-3'
Protein context (NP_878253.1, residues 474-494): LADIISVLFI[Val484Ile]AIFCFHWRRE